The following is an entry in ClinVar:

ClinVar aggregate classification (germline): Pathogenic (1 of 4 stars; one submission).

Submission:

Quest Diagnostics Nichols Institute San Juan Capistrano
Classification: Pathogenic. Last evaluated: 2022-11-02. Review status: criteria provided, single submitter. Criteria: ACMG/ClinGen CNV Guidelines, 2019. Collection method: clinical testing. Allele origin: unknown.
Comment: The copy number loss of 17p12 contains gene PMP22 (OMIM 601097). Haploinsufficiency of PMP22 is associated with hereditary neuropathy with liability to pressure palsies (HNPP; OMIM 162500, Attarian 2020, Chrestian 2020). Additionally, there are no similar copy number losses of this region reported in the general populations of the Database of Genomic Variants. Thus, based on current medical literature and gene content, this copy number variant (CNV) is classified as pathogenic with variable expressivity. References: Attarian et al., J Neurol. 2020 Aug;267(8):2198-2206. PMID: 30989370; Chrestian et al., GeneReviewsÂ® [Internet]. Seattle (WA): University of Washington, Seattle; 1993. 1998 Sep 28 [updated 2020 Aug 27].

GRCh37/hg19 17p12(chr17:14087933-15484858)x1

Genes: CDRT15 (CMT1A duplicated region transcript 15; minus strand), CDRT4 (CMT1A duplicated region transcript 4; minus strand), COX10 (cytochrome c oxidase assembly factor heme A:farnesyltransferase COX10; plus strand), HS3ST3B1 (heparan sulfate-glucosamine 3-sulfotransferase 3B1; plus strand), PMP22 (peripheral myelin protein 22; minus strand) and 3 more. Cytogenetic location: 17p12.
Variant type: copy number loss.
Change: copy number 1 (one copy instead of two) of chr17:14,087,933-15,484,858 (1.40 Mb, GRCh37 coordinates, 1-based), cytogenetic band 17p12.
Identifiers: ClinVar variation 564404 (VCV000564404.6).